The following is an entry in ClinVar:

ClinVar aggregate classification (germline): Uncertain significance. Review status: criteria provided, multiple submitters, no conflicts (2 of 4 stars). 4 submissions from 4 submitters: Uncertain significance (4). Last evaluated 2024-04-17.

Conditions:
Myofibrillar myopathy 5. Also called: FILAMINOPATHY, AUTOSOMAL DOMINANT; Filaminopathy (type). Identifiers: Orphanet 171445, MedGen C1836050, MONDO:0012289, OMIM 609524.
Distal myopathy with posterior leg and anterior hand involvement. Also called: WILLIAMS DISTAL MYOPATHY. Identifiers: Orphanet 63273, MedGen C3279722, MONDO:0013550, OMIM 614065.
Hypertrophic cardiomyopathy 26. Also called: Cardiomyopathy, familial hypertrophic, 26. Identifiers: Orphanet 75249, MedGen C4310749, MONDO:0014883, OMIM 617047.
Cardiovascular phenotype. Identifiers: MedGen CN230736.

Allele frequency attached by ClinVar (database versions not stated): TOPMed 0.00001.
gnomAD v4.1: 33 of 1,613,930 alleles (0.002%); highest among the groups gnomAD compares: South Asian, 0.0077%; no homozygotes.

Submissions (4):

Labcorp Genetics (formerly Invitae), Labcorp
Classification: Uncertain significance for Distal myopathy with posterior leg and anterior hand involvement; Myofibrillar myopathy 5; Hypertrophic cardiomyopathy 26. Last evaluated: 2024-04-17. Review status: criteria provided, single submitter. Criteria: Invitae Variant Classification Sherloc (09022015). Collection method: clinical testing. Allele origin: germline.
Comment: This sequence change replaces arginine, which is basic and polar, with glycine, which is neutral and non-polar, at codon 157 of the FLNC protein (p.Arg157Gly). This variant is present in population databases (rs759739899, gnomAD 0.003%). This variant has not been reported in the literature in individuals affected with FLNC-related conditions. ClinVar contains an entry for this variant (Variation ID: 391973). Advanced modeling of protein sequence and biophysical properties (such as structural, functional, and spatial information, amino acid conservation, physicochemical variation, residue mobility, and thermodynamic stability) has been performed at Invitae for this missense variant, however the output from this modeling did not meet the statistical confidence thresholds required to predict the impact of this variant on FLNC protein function. In summary, the available evidence is currently insufficient to determine the role of this variant in disease. Therefore, it has been classified as a Variant of Uncertain Significance.

Ambry Genetics
Classification: Uncertain significance for Cardiovascular phenotype. Last evaluated: 2023-12-06. Review status: criteria provided, single submitter. Criteria: Ambry Variant Classification Scheme 2023. Collection method: clinical testing. Allele origin: germline.
Comment: The p.R157G variant (also known as c.469C>G), located in coding exon 2 of the FLNC gene, results from a C to G substitution at nucleotide position 469. The arginine at codon 157 is replaced by glycine, an amino acid with dissimilar properties. This amino acid position is not well conserved in available vertebrate species. In addition, the in silico prediction for this alteration is inconclusive. Since supporting evidence is limited at this time, the clinical significance of this alteration remains unclear.

GeneDx
Classification: Uncertain significance. Last evaluated: 2016-12-15. Review status: criteria provided, single submitter. Criteria: GeneDx Variant Classification (06012015). Collection method: clinical testing. Allele origin: germline. Affected: yes.
Comment: The R157G variant in the FLNC gene has not been reported previously as a pathogenic variant, nor as a benign variant, to our knowledge. The R157G variant was not observed in approximately 6,500 individuals of European and African American ancestry in the NHLBI Exome Sequencing Project, indicating it is not a common benign variant in these populations. The R157G variant is a non-conservative amino acid substitution, which is likely to impact secondary protein structure as these residues differ in polarity, charge, size and/or other properties. This substitution occurs at a position where amino acids with similar properties to Arginine are tolerated across species. In silico analysis is inconsistent in its predictions as to whether or not the variant is damaging to the protein structure/function. We interpret R157G as a variant of uncertain significance.

Center for Genomics, Ann and Robert H. Lurie Children's Hospital of Chicago
Classification: Uncertain significance for Hypertrophic cardiomyopathy 26; Distal myopathy with posterior leg and anterior hand involvement; Myofibrillar myopathy 5. Review status: criteria provided, single submitter. Criteria: ACMG Guidelines, 2015. Collection method: clinical testing. Allele origin: germline.
Comment: FLNC NM_001458.4 exon 2 p.Arg157Gly (c.469C>G): This variant has not been reported in the literature and is present in 0.003% (1/30610) of South Asian alleles in the Genome Aggregation Database. This variant is present in ClinVar (Variation ID:391973). Evolutionary conservation and computational predictive tools for this variant are unclear. In summary, data on this variant is insufficient for disease classification. Therefore, the clinical significance of this variant is uncertain.

NM_001458.5(FLNC):c.469C>G (p.Arg157Gly)

Gene: FLNC (filamin C; plus strand). Cytogenetic location: 7q32.1.
Variant type: single nucleotide variant.
Coding change: c.469C>G on transcript NM_001458.5 (MANE Select); coding-DNA position 469, C replaced by G.
Protein change: p.Arg157Gly; replaces arginine 157 with glycine.
Molecular consequence: missense variant.
Genome position (GRCh38, 1-based): chr7:128,835,442, C>G. VCF-style: chr7-128835442-C-G. GRCh37 (hg19) VCF-style: chr7-128475496-C-G.
Other names: c.469C>G, p.Arg157Gly (NM_001127487.2); short protein forms R157G.
Identifiers: ClinVar variation 391973 (VCV000391973.13), dbSNP rs759739899, ClinGen allele CA4474039.